The following is an entry in ClinVar:

ClinVar aggregate classification (germline): Pathogenic/Likely pathogenic. Review status: criteria provided, multiple submitters, no conflicts (2 of 4 stars). 12 submissions from 12 submitters: Pathogenic (6); Likely pathogenic (1). 5 of the submissions do not count toward it. Last evaluated 2025-06-16.

Conditions:
SGSH-related disorder. Also called: SGSH-related condition.
Mucopolysaccharidosis, MPS-III-A (MPS3A). Also called: HEPARAN SULFATE SULFATASE DEFICIENCY; MPS III A; mucopolysaccharidosis type 3A; Mucopolysaccharidosis type IIIA (Sanfilippo A); MUCOPOLYSACCHARIDOSIS, TYPE IIIA, ATTENUATED; MPS IIIA (Sanfilippo Syndrome Type A). Identifiers: Orphanet 581, Orphanet 79269, MedGen C0086647, MONDO:0009655, OMIM 252900.

Allele frequency attached by ClinVar (database versions not stated): gnomAD 0.00001; TOPMed 0.00001.
gnomAD v4.1: 22 of 1,613,504 alleles (0.0014%); highest among the groups gnomAD compares: East Asian, 0.0022%; no homozygotes.

Submissions (12):

Natera, Inc.
Classification: Pathogenic for Mucopolysaccharidosis type IIIA. Last evaluated: 2025-06-16. Review status: criteria provided, single submitter. Criteria: Natera Variant Classification Schema (03/2026). Collection method: clinical testing. Allele origin: germline.
Comment: The c.1105G>A variant in SGSH is a missense variant predicted to cause substitution of glutamic acid to lysine at amino acid 369. This variant is rare in the general population with a frequency below the threshold expected for the associated phenotype(s). This variant has been observed in one or more individuals affected with the associated recessive disease, as either homozygous or compound heterozygous with a second variant (PMID: 22976768, 21204211). Computational prediction algorithms indicate this variant is likely to affect gene or protein function. Given the available evidence, this variant is classified as Pathogenic.

GeneDx
Classification: Pathogenic. Last evaluated: 2025-06-11. Review status: criteria provided, single submitter. Criteria: GeneDx Variant Classification Process June 2021. Collection method: clinical testing. Allele origin: germline. Affected: yes.
Comment: Published functional studies demonstrate a damaging effect as p.(E369K) significantly reduces activity in vitro (PMID: 10727844); Not observed at significant frequency in large population cohorts (gnomAD); In silico analysis supports that this missense variant has a deleterious effect on protein structure/function; This variant is associated with the following publications: (PMID: 25807448, 18407553, 21204211, 21061399, 30442161, 24816101, 10727844, 9554748, Trofimova2016[casereport], 35291973, 12702166, 22976768)

Labcorp Genetics (formerly Invitae), Labcorp
Classification: Pathogenic for Mucopolysaccharidosis, MPS-III-A. Last evaluated: 2025-05-19. Review status: criteria provided, single submitter. Criteria: Invitae Variant Classification Sherloc (09022015). Collection method: clinical testing. Allele origin: germline.
Comment: This sequence change replaces glutamic acid, which is acidic and polar, with lysine, which is basic and polar, at codon 369 of the SGSH protein (p.Glu369Lys). This variant is present in population databases (rs104894640, gnomAD 0.0009%). This missense change has been observed in individual(s) with Sanfilippo syndrome (PMID: 9554748, 10727844, 12702166). In at least one individual the data is consistent with being in trans (on the opposite chromosome) from a pathogenic variant. It has also been observed to segregate with disease in related individuals. ClinVar contains an entry for this variant (Variation ID: 5117). Invitae Evidence Modeling of protein sequence and biophysical properties (such as structural, functional, and spatial information, amino acid conservation, physicochemical variation, residue mobility, and thermodynamic stability) indicates that this missense variant is expected to disrupt SGSH protein function with a positive predictive value of 95%. Experimental studies have shown that this missense change affects SGSH function (PMID: 10727844). For these reasons, this variant has been classified as Pathogenic.

Baylor Genetics
Classification: Pathogenic for Mucopolysaccharidosis, MPS-III-A. Last evaluated: 2023-10-17. Review status: criteria provided, single submitter. Criteria: ACMG Guidelines, 2015. Collection method: clinical testing. Allele origin: unknown.

Genome-Nilou Lab
Classification: Likely pathogenic for Mucopolysaccharidosis, MPS-III-A. Last evaluated: 2021-11-07. Review status: criteria provided, single submitter. Criteria: ACMG Guidelines, 2015. Collection method: clinical testing. Allele origin: germline. Affected: no.

Women's Health and Genetics/Laboratory Corporation of America, LabCorp
Classification: Pathogenic for Mucopolysaccharidosis, MPS-III-A. Last evaluated: 2021-10-28. Review status: criteria provided, single submitter. Criteria: LabCorp Variant Classification Summary - May 2015. Collection method: clinical testing. Allele origin: germline.
Comment: Variant summary: SGSH c.1105G>A (p.Glu369Lys) results in a conservative amino acid change in the encoded protein sequence. Four of five in-silico tools predict a damaging effect of the variant on protein function. The variant allele was found at a frequency of 4e-06 in 250408 control chromosomes (gnomAD). c.1105G>A has been reported in the literature in multiple individuals affected with Mucopolysaccharidosis Type IIIA (Sanfilippo Syndrome A) (e.g. Di Natale_1998, Esposito_2000, Valstar_2010, Heron_2011). These data indicate that the variant is very likely to be associated with disease. Experimental evidence demonstrated the variant considerably decreases or abolishes enzyme activity (Esposito_2000, Heron_2011). Two ClinVar submitters (evaluation after 2014) cite the variant as pathogenic/likely pathogenic. Based on the evidence outlined above, the variant was classified as pathogenic.

Eurofins Ntd Llc (ga)
Classification: Pathogenic. Last evaluated: 2013-08-06. Review status: criteria provided, single submitter. Criteria: EGL Classification Definitions. Collection method: clinical testing. Allele origin: germline. Observed: 2 variant alleles, 2 heterozygotes.

PreventionGenetics, part of Exact Sciences
Classification: Likely pathogenic for SGSH-related condition. Last evaluated: 2023-11-13. Review status: no assertion criteria provided. Collection method: clinical testing. Allele origin: germline. Not counted in ClinVar's aggregate classification.
Comment: The SGSH c.1105G>A variant is predicted to result in the amino acid substitution p.Glu369Lys. This variant has been reported along with a second SGSH variant in individuals with Sanfilippo syndrome A (Di Natale et al. 1998. PubMed ID: 9554748; Esposito et al. 2000. PubMed ID: 10727844; Di Natale et al. 2003. PubMed ID: 12702166). This variant is reported in 0.00088% of alleles in individuals of European (Non-Finnish) descent in gnomAD. This variant is interpreted as likely pathogenic.

Counsyl
Classification: Likely pathogenic for Mucopolysaccharidosis, MPS-III-A. Last evaluated: 2017-05-02. Review status: no assertion criteria provided. Collection method: clinical testing. Allele origin: unknown. Not counted in ClinVar's aggregate classification.

OMIM
Classification: Pathogenic for MUCOPOLYSACCHARIDOSIS, TYPE IIIA. Last evaluated: 2003-04-01. Review status: no assertion criteria provided. Collection method: literature only. Allele origin: germline. Not counted in ClinVar's aggregate classification.

Clinical Genetics DNA and cytogenetics Diagnostics Lab, Erasmus MC, Erasmus Medical Center
Classification: Pathogenic. Review status: no assertion criteria provided. Collection method: clinical testing. Allele origin: germline. Affected: yes. Study: VKGL Data-share Consensus. Not counted in ClinVar's aggregate classification.

Joint Genome Diagnostic Labs from Nijmegen and Maastricht, Radboudumc and MUMC+
Classification: Pathogenic. Review status: no assertion criteria provided. Collection method: clinical testing. Allele origin: germline. Affected: yes. Study: VKGL Data-share Consensus. Not counted in ClinVar's aggregate classification.

Literature cited by the submitters: PubMed 22976768 (cited by Natera, Inc. and Counsyl); PubMed 21204211 (cited by 3 submitters); PubMed 9554748 (cited by 3 submitters); PubMed 10727844 (cited by 3 submitters); PubMed 12702166 (cited by 3 submitters); PubMed 21061399 (cited by Women's Health and Genetics/Laboratory Corporation of America, LabCorp and Counsyl).

NM_000199.5(SGSH):c.1105G>A (p.Glu369Lys)

Gene: SGSH (N-sulfoglucosamine sulfohydrolase; minus strand). Cytogenetic location: 17q25.3.
Variant type: single nucleotide variant.
Coding change: c.1105G>A on transcript NM_000199.5 (MANE Select); coding-DNA position 1105, G replaced by A.
Protein change: p.Glu369Lys; replaces glutamic acid 369 with lysine.
Molecular consequence: missense variant. On other transcripts: 3 prime UTR variant (2), non-coding transcript variant (1).
Genome position (GRCh38, 1-based): chr17:80,210,856, C>T on the plus strand (G>A on the coding strand, the complement: SGSH is on the minus strand). VCF-style: chr17-80210856-C-T. GRCh37 (hg19) VCF-style: chr17-78184655-C-T.
Other names: c.*192G>A (NM_001352921.3); c.*155G>A (NM_001352922.2); c.1105G>A (NM_000199.4); short protein forms E369K.
Identifiers: ClinVar variation 5117 (VCV000005117.26), dbSNP rs104894640, ClinGen allele CA117264.